The following is an entry in ClinVar:

ClinVar aggregate classification (germline): Uncertain significance (1 of 4 stars; one submission).

Submission:

GeneDx
Classification: Uncertain significance. Last evaluated: 2021-11-04. Review status: criteria provided, single submitter. Criteria: GeneDx Variant Classification Process June 2021. Collection method: clinical testing. Allele origin: germline. Affected: yes.
Comment: Not observed at significant frequency in large population cohorts (Lek et al., 2016); In silico analysis supports that this missense variant does not alter protein structure/function; Has not been previously published as pathogenic or benign to our knowledge

NM_017934.7(PHIP):c.1976C>G (p.Ser659Cys)

Gene: PHIP (pleckstrin homology domain interacting protein; minus strand). Cytogenetic location: 6q14.1.
Variant type: single nucleotide variant.
Coding change: c.1976C>G on transcript NM_017934.7 (MANE Select); coding-DNA position 1976, C replaced by G.
Protein change: p.Ser659Cys; replaces serine 659 with cysteine.
Molecular consequence: missense variant.
Genome position (GRCh38, 1-based): chr6:78,998,295, G>C on the plus strand (C>G on the coding strand, the complement: PHIP is on the minus strand). VCF-style: chr6-78998295-G-C. GRCh37 (hg19) VCF-style: chr6-79708012-G-C.
Other names: short protein forms S659C.
Identifiers: ClinVar variation 1321645 (VCV001321645.2), dbSNP rs1769761199, ClinGen allele CA364630749.